The following is an entry in ClinVar:

ClinVar aggregate classification (germline): Likely benign. Review status: criteria provided, single submitter (1 of 4 stars). 2 submissions from 2 submitters: Likely benign (1). 1 of the submissions does not count toward it. Last evaluated 2023-01-01.

Conditions:
MYO16-related disorder. Also called: MYO16-related condition.

Allele frequency attached by ClinVar (database versions not stated): ESP Exome Variant Server 0.00008; ExAC 0.00015; 1000 Genomes Project 30x 0.00016.
gnomAD v4.1: 391 of 1,610,028 alleles (0.024%); highest among the groups gnomAD compares: Middle Eastern, 1%; 3 homozygotes.

Submissions (2):

CeGaT Center for Human Genetics Tuebingen
Classification: Likely benign. Last evaluated: 2023-01-01. Review status: criteria provided, single submitter. Criteria: CeGaT Center For Human Genetics Tuebingen Variant Classification Criteria Version 2. Collection method: clinical testing. Allele origin: germline. Affected: yes. Observed: 1 variant allele.
Comment: MYO16: BP4, BP7

PreventionGenetics, part of Exact Sciences
Classification: Likely benign for MYO16-related condition. Last evaluated: 2019-02-21. Review status: no assertion criteria provided. Collection method: clinical testing. Allele origin: germline. Not counted in ClinVar's aggregate classification.
Comment: This variant is classified as likely benign based on ACMG/AMP sequence variant interpretation guidelines (Richards et al. 2015 PMID: 25741868, with internal and published modifications).

NM_001198950.3(MYO16):c.4041G>T (p.Ala1347=)

Gene: MYO16 (myosin XVI; plus strand). Cytogenetic location: 13q33.3.
Variant type: single nucleotide variant.
Coding change: c.4041G>T on transcript NM_001198950.3 (MANE Select); coding-DNA position 4041, G replaced by T.
Protein change: p.Ala1347=; no amino-acid change (alanine 1347 retained).
Molecular consequence: synonymous variant.
Genome position (GRCh38, 1-based): chr13:109,127,540, G>T. VCF-style: chr13-109127540-G-T. GRCh37 (hg19) VCF-style: chr13-109779888-G-T.
Other names: c.3975G>T, p.Ala1325= (NM_015011.3); c.4041G>T (NM_001198950.1).
Identifiers: ClinVar variation 2643931 (VCV002643931.25), dbSNP rs201341139, ClinGen allele CA7045580.